The following is an entry in ClinVar:

ClinVar aggregate classification (germline): Uncertain significance. Review status: criteria provided, multiple submitters, no conflicts (2 of 4 stars). 2 submissions from 2 submitters: Uncertain significance (2). Last evaluated 2024-07-15.

Conditions:
Ehlers-Danlos syndrome, spondylodysplastic type, 2 (EDSSPD2). Also called: Ehlers-Danlos syndrome, progeroid type, 2. Identifiers: Orphanet 536467, Orphanet 75496, MedGen C3809210, MONDO:0014139, OMIM 615349.
Spondyloepimetaphyseal dysplasia with joint laxity (SEMDJL). Identifiers: MedGen C0432243, MONDO:0019675.

Submissions (2):

GeneDx
Classification: Uncertain significance. Last evaluated: 2024-07-15. Review status: criteria provided, single submitter. Criteria: GeneDx Variant Classification Process June 2021. Collection method: clinical testing. Allele origin: germline. Affected: yes.
Comment: Not observed at significant frequency in large population cohorts (gnomAD); In silico analysis indicates that this missense variant does not alter protein structure/function; Has not been previously published as pathogenic or benign to our knowledge

Labcorp Genetics (formerly Invitae), Labcorp
Classification: Uncertain significance for Ehlers-Danlos syndrome, spondylodysplastic type, 2; Spondyloepimetaphyseal dysplasia with joint laxity. Last evaluated: 2022-09-13. Review status: criteria provided, single submitter. Criteria: Invitae Variant Classification Sherloc (09022015). Collection method: clinical testing. Allele origin: germline.
Comment: Algorithms developed to predict the effect of missense changes on protein structure and function (SIFT, PolyPhen-2, Align-GVGD) all suggest that this variant is likely to be tolerated. In summary, the available evidence is currently insufficient to determine the role of this variant in disease. Therefore, it has been classified as a Variant of Uncertain Significance. This variant has not been reported in the literature in individuals affected with B3GALT6-related conditions. The frequency data for this variant in the population databases is considered unreliable, as metrics indicate insufficient coverage at this position in the gnomAD database. This sequence change replaces serine, which is neutral and polar, with leucine, which is neutral and non-polar, at codon 43 of the B3GALT6 protein (p.Ser43Leu).

NM_080605.4(B3GALT6):c.128C>T (p.Ser43Leu)

Gene: B3GALT6 (beta-1,3-galactosyltransferase 6; plus strand). Cytogenetic location: 1p36.33.
Variant type: single nucleotide variant.
Coding change: c.128C>T on transcript NM_080605.4 (MANE Select); coding-DNA position 128, C replaced by T.
Protein change: p.Ser43Leu; replaces serine 43 with leucine.
Molecular consequence: missense variant.
Genome position (GRCh38, 1-based): chr1:1,232,406, C>T. VCF-style: chr1-1232406-C-T. GRCh37 (hg19) VCF-style: chr1-1167786-C-T.
Other names: c.128C>T (NM_080605.3); short protein forms S43L.
Identifiers: ClinVar variation 1934748 (VCV001934748.6), dbSNP rs1322812318, ClinGen allele CA337822709.
Genomic context (GRCh38, chr1:1,232,406, plus strand): 5'-GGGCGGCGCTGCTCTACCTGGCGCGCTGCGCGGCCGAGCCCGGGGACCCCAGGGCGATGT[C>T]GGGCCGCAGCCCGCCTCCCCCCGCGCCCGCGCGCGCCGCCGCCTTCCTGGCAGTGCTGGT-3'
Protein context (NP_542172.2, residues 33-53): AAEPGDPRAM[Ser43Leu]GRSPPPPAPA